The following is an entry in ClinVar:

ClinVar aggregate classification (germline): Pathogenic/Likely pathogenic. Review status: criteria provided, multiple submitters, no conflicts (2 of 4 stars). 3 submissions from 3 submitters: Pathogenic (2); Likely pathogenic (1). Last evaluated 2022-05-06.

Conditions:
Intellectual developmental disorder, autosomal dominant 6, with or without seizures. Also called: Intellectual disability, autosomal dominant 6; GRIN2B-related developmental delay, intellectual disability and autism spectrum disorder. Identifiers: Orphanet 589547, MedGen C3151411, MONDO:0013509, OMIM 613970.
Developmental and epileptic encephalopathy, 27 (DEE27). Also called: Epileptic encephalopathy, early infantile, 27; GRIN2B-Related Neurodevelopmental Disorder. Identifiers: Orphanet 3451, MedGen C4015316, MONDO:0014505, OMIM 616139.

Submissions (3):

Labcorp Genetics (formerly Invitae), Labcorp
Classification: Pathogenic for Developmental and epileptic encephalopathy, 27; Intellectual developmental disorder, autosomal dominant 6, with or without seizures. Last evaluated: 2022-05-06. Review status: criteria provided, single submitter. Criteria: Invitae Variant Classification Sherloc (09022015). Collection method: clinical testing. Allele origin: germline.
Comment: Advanced modeling of protein sequence and biophysical properties (such as structural, functional, and spatial information, amino acid conservation, physicochemical variation, residue mobility, and thermodynamic stability) performed at Invitae indicates that this missense variant is expected to disrupt GRIN2B protein function. ClinVar contains an entry for this variant (Variation ID: 245960). This missense change has been observed in individual(s) with clinical features of GRIN2B-related conditions (PMID: 28377535). In at least one individual the variant was observed to be de novo. This variant is not present in population databases (gnomAD no frequency). This sequence change replaces methionine, which is neutral and non-polar, with threonine, which is neutral and polar, at codon 818 of the GRIN2B protein (p.Met818Thr). This variant disrupts the p.Met818 amino acid residue in GRIN2B. Other variant(s) that disrupt this residue have been determined to be pathogenic (Invitae). This suggests that this residue is clinically significant, and that variants that disrupt this residue are likely to be disease-causing. For these reasons, this variant has been classified as Pathogenic.

GeneDx
Classification: Pathogenic. Last evaluated: 2021-03-15. Review status: criteria provided, single submitter. Criteria: GeneDx Variant Classification Process June 2021. Collection method: clinical testing. Allele origin: germline. Affected: yes.
Comment: Published functional studies demonstrate a damaging effect (Platzer et al., 2017); Not observed in large population cohorts (Lek et al., 2016); This variant is associated with the following publications: (PMID: 28377535)

Institute of Human Genetics, University of Leipzig Medical Center
Classification: Likely pathogenic for Intellectual developmental disorder, autosomal dominant 6, with or without seizures. Last evaluated: 2017-04-04. Review status: criteria provided, single submitter. Criteria: ACMG Guidelines, 2015. Collection method: clinical testing. Allele origin: de novo. Affected: yes.
Comment: This variant was identified as de novo (maternity and paternity confirmed).

Literature cited by the submitters: PubMed 28377535 (cited by Labcorp Genetics (formerly Invitae), Labcorp and Institute of Human Genetics, University of Leipzig Medical Center).

NM_000834.5(GRIN2B):c.2453T>C (p.Met818Thr)

Gene: GRIN2B (glutamate ionotropic receptor NMDA type subunit 2B; minus strand). Cytogenetic location: 12p13.1.
Variant type: single nucleotide variant.
Coding change: c.2453T>C on transcript NM_000834.5 (MANE Select); coding-DNA position 2453, T replaced by C.
Protein change: p.Met818Thr; replaces methionine 818 with threonine.
Molecular consequence: missense variant.
Genome position (GRCh38, 1-based): chr12:13,567,170, A>G on the plus strand (T>C on the coding strand, the complement: GRIN2B is on the minus strand). VCF-style: chr12-13567170-A-G. GRCh37 (hg19) VCF-style: chr12-13720104-A-G.
Other names: short protein forms M818T.
Identifiers: ClinVar variation 245960 (VCV000245960.9), dbSNP rs879254016, ClinGen allele CA10584424.